The following is an entry in ClinVar:

NM_006231.4(POLE):c.4700C>G (p.Ala1567Gly)

Gene: POLE (DNA polymerase epsilon, catalytic subunit; minus strand). Cytogenetic location: 12q24.33.
Variant type: single nucleotide variant.
Coding change: c.4700C>G on transcript NM_006231.4 (MANE Select); coding-DNA position 4700, C replaced by G.
Protein change: p.Ala1567Gly; replaces alanine 1567 with glycine.
Molecular consequence: missense variant.
Genome position (GRCh38, 1-based): chr12:132,642,848, G>C on the plus strand (C>G on the coding strand, the complement: POLE is on the minus strand). VCF-style: chr12-132642848-G-C. GRCh37 (hg19) VCF-style: chr12-133219434-G-C.
Other names: short protein forms A1567G.
Identifiers: ClinVar variation 1718963 (VCV001718963.5), dbSNP rs2138539167, ClinGen allele CA387378711.

ClinVar aggregate classification (germline): Uncertain significance (1 of 4 stars; one submission).

Submission:

Labcorp Genetics (formerly Invitae), Labcorp
Classification: Uncertain significance. Last evaluated: 2022-09-06. Review status: criteria provided, single submitter. Criteria: Invitae Variant Classification Sherloc (09022015). Collection method: clinical testing. Allele origin: germline.
Comment: In summary, the available evidence is currently insufficient to determine the role of this variant in disease. Therefore, it has been classified as a Variant of Uncertain Significance. Algorithms developed to predict the effect of missense changes on protein structure and function (SIFT, PolyPhen-2, Align-GVGD) all suggest that this variant is likely to be tolerated. This variant has not been reported in the literature in individuals affected with POLE-related conditions. This variant is not present in population databases (gnomAD no frequency). This sequence change replaces alanine, which is neutral and non-polar, with glycine, which is neutral and non-polar, at codon 1567 of the POLE protein (p.Ala1567Gly).